The following is an entry in ClinVar:

NM_001035.3(RYR2):c.10817C>T (p.Ala3606Val)

Gene: RYR2 (ryanodine receptor 2; plus strand). Cytogenetic location: 1q43.
Variant type: single nucleotide variant.
Coding change: c.10817C>T on transcript NM_001035.3 (MANE Select); coding-DNA position 10817, C replaced by T.
Protein change: p.Ala3606Val; replaces alanine 3606 with valine.
Molecular consequence: missense variant.
Genome position (GRCh38, 1-based): chr1:237,727,178, C>T. VCF-style: chr1-237727178-C-T. GRCh37 (hg19) VCF-style: chr1-237890478-C-T.
Other names: short protein forms A3606V.
Identifiers: ClinVar variation 2791394 (VCV002791394.3), dbSNP rs2527000393, ClinGen allele CA345417010.

ClinVar aggregate classification (germline): Uncertain significance (1 of 4 stars; one submission).

Conditions:
Catecholaminergic polymorphic ventricular tachycardia 1. Also called: VENTRICULAR TACHYCARDIA, STRESS-INDUCED POLYMORPHIC 1; VENTRICULAR TACHYCARDIA, CATECHOLAMINERGIC POLYMORPHIC, 1, WITH OR WITHOUT ATRIAL DYSFUNCTION AND/OR DILATED CARDIOMYOPATHY; RYR2-Related Catecholaminergic Polymorphic Ventricular Tachycardia. Identifiers: Orphanet 3286, MedGen C1631597, MONDO:0011484, OMIM 604772.

Allele frequency attached by ClinVar (database versions not stated): gnomAD exomes below 0.00001.
gnomAD v4.1: 1 of 1,560,630 alleles (0.000064%); highest among the groups gnomAD compares: Non-Finnish European, 0.000087%; no homozygotes.

Submission:

Labcorp Genetics (formerly Invitae), Labcorp
Classification: Uncertain significance for Catecholaminergic polymorphic ventricular tachycardia 1. Last evaluated: 2023-03-24. Review status: criteria provided, single submitter. Criteria: Invitae Variant Classification Sherloc (09022015). Collection method: clinical testing. Allele origin: germline.
Comment: This sequence change replaces alanine, which is neutral and non-polar, with valine, which is neutral and non-polar, at codon 3606 of the RYR2 protein (p.Ala3606Val). This variant is not present in population databases (gnomAD no frequency). This variant has not been reported in the literature in individuals affected with RYR2-related conditions. Advanced modeling of protein sequence and biophysical properties (such as structural, functional, and spatial information, amino acid conservation, physicochemical variation, residue mobility, and thermodynamic stability) has been performed at Invitae for this missense variant, however the output from this modeling did not meet the statistical confidence thresholds required to predict the impact of this variant on RYR2 protein function. In summary, the available evidence is currently insufficient to determine the role of this variant in disease. Therefore, it has been classified as a Variant of Uncertain Significance.